The following is an entry in ClinVar:

NM_004525.3(LRP2):c.10547A>G (p.Gln3516Arg)

Gene: LRP2 (LDL receptor related protein 2; minus strand). Cytogenetic location: 2q31.1.
Variant type: single nucleotide variant.
Coding change: c.10547A>G on transcript NM_004525.3 (MANE Select); coding-DNA position 10547, A replaced by G.
Protein change: p.Gln3516Arg; replaces glutamine 3516 with arginine.
Molecular consequence: missense variant.
Genome position (GRCh38, 1-based): chr2:169,176,435, T>C on the plus strand (A>G on the coding strand, the complement: LRP2 is on the minus strand). VCF-style: chr2-169176435-T-C. GRCh37 (hg19) VCF-style: chr2-170032945-T-C.
Other names: short protein forms Q3516R.
Identifiers: ClinVar variation 2181985 (VCV002181985.1), dbSNP rs777051223, ClinGen allele CA1953331.

ClinVar aggregate classification (germline): Uncertain significance (1 of 4 stars; one submission).

Allele frequency attached by ClinVar (database versions not stated): ExAC 0.00001.
gnomAD v4.1: 144 of 1,614,062 alleles (0.0089%); highest among the groups gnomAD compares: Non-Finnish European, 0.012%; no homozygotes.

Submission:

Labcorp Genetics (formerly Invitae), Labcorp
Classification: Uncertain significance. Last evaluated: 2022-08-05. Review status: criteria provided, single submitter. Criteria: Invitae Variant Classification Sherloc (09022015). Collection method: clinical testing. Allele origin: germline.
Comment: This sequence change replaces glutamine, which is neutral and polar, with arginine, which is basic and polar, at codon 3516 of the LRP2 protein (p.Gln3516Arg). This variant is present in population databases (rs777051223, gnomAD 0.005%). This variant has not been reported in the literature in individuals affected with LRP2-related conditions. Advanced modeling of protein sequence and biophysical properties (such as structural, functional, and spatial information, amino acid conservation, physicochemical variation, residue mobility, and thermodynamic stability) performed at Invitae indicates that this missense variant is expected to disrupt LRP2 protein function. In summary, the available evidence is currently insufficient to determine the role of this variant in disease. Therefore, it has been classified as a Variant of Uncertain Significance.